The following is an entry in ClinVar:

NM_001378090.1(WASHC1):c.912C>A (p.Pro304=)

Gene: WASHC1 (WASH complex subunit 1; minus strand). Cytogenetic location: 9p24.3.
Variant type: single nucleotide variant.
Coding change: c.912C>A on transcript NM_001378090.1 (MANE Select); coding-DNA position 912, C replaced by A.
Protein change: p.Pro304=; no amino-acid change (proline 304 retained).
Molecular consequence: synonymous variant.
Genome position (GRCh38, 1-based): chr9:16,848, G>T on the plus strand (C>A on the coding strand, the complement: WASHC1 is on the minus strand). VCF-style: chr9-16848-G-T. GRCh37 (hg19) VCF-style: chr9-16848-G-T.
Other names: c.912C>A, p.Pro304= (NM_182905.6).
Identifiers: ClinVar variation 2659007 (VCV002659007.24), dbSNP rs752697634, ClinGen allele CA4955537.

ClinVar aggregate classification (germline): Likely benign (1 of 4 stars; one submission).

Submission:

CeGaT Center for Human Genetics Tuebingen
Classification: Likely benign. Last evaluated: 2022-10-01. Review status: criteria provided, single submitter. Criteria: CeGaT Center For Human Genetics Tuebingen Variant Classification Criteria Version 2. Collection method: clinical testing. Allele origin: germline. Affected: yes. Observed: 1 variant allele.
Comment: WASHC1: BP4, BP7